The following is an entry in ClinVar:

ClinVar aggregate classification (germline): Uncertain significance. Review status: criteria provided, multiple submitters, no conflicts (2 of 4 stars). 2 submissions from 2 submitters: Uncertain significance (2). Last evaluated 2024-06-30.

Conditions:
Hereditary pancreatitis (PCTT). Also called: PRSS1-Related Hereditary Pancreatitis; Hereditary chronic pancreatitis. Identifiers: Orphanet 676, MedGen C0238339, MONDO:0008185, OMIM 167800.

Allele frequency attached by ClinVar (database versions not stated): gnomAD exomes below 0.00001.

Submissions (2):

Ambry Genetics
Classification: Uncertain significance for Hereditary pancreatitis. Last evaluated: 2024-06-30. Review status: criteria provided, single submitter. Criteria: Ambry Variant Classification Scheme 2023. Collection method: clinical testing. Allele origin: germline.
Comment: The p.L2W variant (also known as c.5T>G), located in coding exon 1 of the CTRC gene, results from a T to G substitution at nucleotide position 5. The leucine at codon 2 is replaced by tryptophan, an amino acid with similar properties. This amino acid position is conserved. In addition, the in silico prediction for this alteration is inconclusive. Based on the available evidence, the clinical significance of this variant remains unclear.

Labcorp Genetics (formerly Invitae), Labcorp
Classification: Uncertain significance for Hereditary pancreatitis. Last evaluated: 2022-08-15. Review status: criteria provided, single submitter. Criteria: Invitae Variant Classification Sherloc (09022015). Collection method: clinical testing. Allele origin: germline.
Comment: This sequence change replaces leucine, which is neutral and non-polar, with tryptophan, which is neutral and slightly polar, at codon 2 of the CTRC protein (p.Leu2Trp). This variant is not present in population databases (gnomAD no frequency). This variant has not been reported in the literature in individuals affected with CTRC-related conditions. Algorithms developed to predict the effect of missense changes on protein structure and function are either unavailable or do not agree on the potential impact of this missense change (SIFT: "Tolerated"; PolyPhen-2: "Probably Damaging"; Align-GVGD: "Class C0"). In summary, the available evidence is currently insufficient to determine the role of this variant in disease. Therefore, it has been classified as a Variant of Uncertain Significance.

NM_007272.3(CTRC):c.5T>G (p.Leu2Trp)

Gene: CTRC (chymotrypsin C; plus strand). Cytogenetic location: 1p36.21.
Variant type: single nucleotide variant.
Coding change: c.5T>G on transcript NM_007272.3 (MANE Select); coding-DNA position 5, T replaced by G.
Protein change: p.Leu2Trp; replaces leucine 2 with tryptophan.
Molecular consequence: missense variant.
Genome position (GRCh38, 1-based): chr1:15,438,469, T>G. VCF-style: chr1-15438469-T-G. GRCh37 (hg19) VCF-style: chr1-15764965-T-G.
Other names: c.5T>G (NM_007272.2); short protein forms L2W.
Identifiers: ClinVar variation 2073059 (VCV002073059.5), dbSNP rs2526285179, ClinGen allele CA338563525.
Genomic context (GRCh38, chr1:15,438,469, plus strand): 5'-GCCTATAAGTGTGCCCCAGCCCATCCCGATGGTCAGCCAGTCCTGAGCACCTAACCATGT[T>G]GGGCATCACTGTCCTCGCTGCGCTCTTGGCCTGTGGTAAGCGGTGGGGTGGGGCTGCAGC-3'
Protein context (NP_009203.2, residues 1-12): M[Leu2Trp]GITVLAALLA